The following is an entry in ClinVar:

NM_025114.4(CEP290):c.136G>A (p.Glu46Lys)

Gene: CEP290 (centrosomal protein 290; minus strand). Cytogenetic location: 12q21.32.
Variant type: single nucleotide variant.
Coding change: c.136G>A on transcript NM_025114.4 (MANE Select); coding-DNA position 136, G replaced by A.
Protein change: p.Glu46Lys; replaces glutamic acid 46 with lysine.
Molecular consequence: missense variant.
Genome position (GRCh38, 1-based): chr12:88,141,000, C>T on the plus strand (G>A on the coding strand, the complement: CEP290 is on the minus strand). VCF-style: chr12-88141000-C-T. GRCh37 (hg19) VCF-style: chr12-88534777-C-T.
Other names: short protein forms E46K.
Identifiers: ClinVar variation 1521050 (VCV001521050.8), dbSNP rs1018550969, ClinGen allele CA241168610.

ClinVar aggregate classification (germline): Uncertain significance (1 of 4 stars; one submission).

Conditions:
Nephronophthisis. Also called: Juvenile Nephronophthisis. Identifiers: Orphanet 655, MedGen C0687120, MONDO:0019005, HP:0000090.
Meckel-Gruber syndrome. Also called: DYSENCEPHALIA SPLANCHNOCYSTICA; GRUBER SYNDROME; Dysencephalia splachnocystica. Identifiers: Orphanet 564, MedGen C0265215, MONDO:0018921.
Joubert syndrome. Also called: CEREBELLOPARENCHYMAL DISORDER IV; JOUBERT-BOLTSHAUSER SYNDROME; Familial aplasia of the vermis. Identifiers: Orphanet 475, MedGen C5979921, MONDO:0018772.

Allele frequency attached by ClinVar (database versions not stated): gnomAD exomes below 0.00001; gnomAD 0.00001; TOPMed 0.00001.
gnomAD v4.1: 2 of 1,590,746 alleles (0.00013%); highest among the groups gnomAD compares: Non-Finnish European, 0.00017%; no homozygotes.

Submission:

Labcorp Genetics (formerly Invitae), Labcorp
Classification: Uncertain significance for Joubert syndrome; Meckel-Gruber syndrome; Nephronophthisis. Last evaluated: 2024-10-29. Review status: criteria provided, single submitter. Criteria: Invitae Variant Classification Sherloc (09022015). Collection method: clinical testing. Allele origin: germline.
Comment: This sequence change replaces glutamic acid, which is acidic and polar, with lysine, which is basic and polar, at codon 46 of the CEP290 protein (p.Glu46Lys). This variant is not present in population databases (gnomAD no frequency). This variant has not been reported in the literature in individuals affected with CEP290-related conditions. ClinVar contains an entry for this variant (Variation ID: 1521050). An algorithm developed to predict the effect of missense changes on protein structure and function (PolyPhen-2) suggests that this variant is likely to be tolerated. Algorithms developed to predict the effect of sequence changes on RNA splicing suggest that this variant may disrupt the consensus splice site. In summary, the available evidence is currently insufficient to determine the role of this variant in disease. Therefore, it has been classified as a Variant of Uncertain Significance.